The following is an entry in ClinVar:

ClinVar aggregate classification (germline): Uncertain significance (1 of 4 stars; one submission).

Submission:

GeneDx
Classification: Uncertain significance. Last evaluated: 2023-05-25. Review status: criteria provided, single submitter. Criteria: GeneDx Variant Classification Process June 2021. Collection method: clinical testing. Allele origin: germline. Affected: yes.
Comment: Not observed at significant frequency in large population cohorts (gnomAD); In silico analysis supports that this missense variant does not alter protein structure/function; Has not been previously published as pathogenic or benign to our knowledge

NM_015629.4(PRPF31):c.88C>T (p.Pro30Ser)

Gene: PRPF31 (pre-mRNA processing factor 31; plus strand). Cytogenetic location: 19q13.42.
Variant type: single nucleotide variant.
Coding change: c.88C>T on transcript NM_015629.4 (MANE Select); coding-DNA position 88, C replaced by T.
Protein change: p.Pro30Ser; replaces proline 30 with serine.
Molecular consequence: missense variant.
Genome position (GRCh38, 1-based): chr19:54,118,366, C>T. VCF-style: chr19-54118366-C-T. GRCh37 (hg19) VCF-style: chr19-54621746-C-T.
Other names: short protein forms P30S.
Identifiers: ClinVar variation 3343811 (VCV003343811.1).